The following is an entry in ClinVar:

NM_004525.3(LRP2):c.13486C>T (p.Pro4496Ser)

Gene: LRP2 (LDL receptor related protein 2; minus strand). Cytogenetic location: 2q31.1.
Variant type: single nucleotide variant.
Coding change: c.13486C>T on transcript NM_004525.3 (MANE Select); coding-DNA position 13486, C replaced by T.
Protein change: p.Pro4496Ser; replaces proline 4496 with serine.
Molecular consequence: missense variant.
Genome position (GRCh38, 1-based): chr2:169,138,609, G>A on the plus strand (C>T on the coding strand, the complement: LRP2 is on the minus strand). VCF-style: chr2-169138609-G-A. GRCh37 (hg19) VCF-style: chr2-169995119-G-A.
Other names: short protein forms P4496S.
Identifiers: ClinVar variation 2061148 (VCV002061148.5), dbSNP rs1375279495, ClinGen allele CA349154820.

ClinVar aggregate classification (germline): Uncertain significance. Review status: criteria provided, multiple submitters, no conflicts (2 of 4 stars). 2 submissions from 2 submitters: Uncertain significance (2). Last evaluated 2024-11-05.

Conditions:
Donnai-Barrow syndrome. Also called: DBS/FOAR SYNDROME; FACIOOCULOACOUSTICORENAL SYNDROME. Identifiers: Orphanet 2143, MedGen C1857277, MONDO:0009104, OMIM 222448.

Submissions (2):

Labcorp Genetics (formerly Invitae), Labcorp
Classification: Uncertain significance. Last evaluated: 2024-11-05. Review status: criteria provided, single submitter. Criteria: Invitae Variant Classification Sherloc (09022015). Collection method: clinical testing. Allele origin: germline.
Comment: This sequence change replaces proline, which is neutral and non-polar, with serine, which is neutral and polar, at codon 4496 of the LRP2 protein (p.Pro4496Ser). This variant is not present in population databases (gnomAD no frequency). This variant has not been reported in the literature in individuals affected with LRP2-related conditions. ClinVar contains an entry for this variant (Variation ID: 2061148). Invitae Evidence Modeling of protein sequence and biophysical properties (such as structural, functional, and spatial information, amino acid conservation, physicochemical variation, residue mobility, and thermodynamic stability) indicates that this missense variant is not expected to disrupt LRP2 protein function with a negative predictive value of 95%. In summary, the available evidence is currently insufficient to determine the role of this variant in disease. Therefore, it has been classified as a Variant of Uncertain Significance.

Fulgent Genetics
Classification: Uncertain significance for Donnai-Barrow syndrome. Last evaluated: 2024-04-08. Review status: criteria provided, single submitter. Criteria: ACMG Guidelines, 2015. Collection method: clinical testing. Allele origin: germline.